The following is an entry in ClinVar:

ClinVar aggregate classification (germline): Uncertain significance (1 of 4 stars; one submission).

gnomAD v4.1: 1 of 1,614,112 alleles (0.000062%); highest among the groups gnomAD compares: Non-Finnish European, 0.000085%; no homozygotes.

Submission:

Labcorp Genetics (formerly Invitae), Labcorp
Classification: Uncertain significance. Last evaluated: 2021-12-08. Review status: criteria provided, single submitter. Criteria: Invitae Variant Classification Sherloc (09022015). Collection method: clinical testing. Allele origin: germline.
Comment: This sequence change replaces valine, which is neutral and non-polar, with phenylalanine, which is neutral and non-polar, at codon 662 of the CAD protein (p.Val662Phe). This variant is present in population databases (no rsID available, gnomAD 0.007%). This variant has not been reported in the literature in individuals affected with CAD-related conditions. Algorithms developed to predict the effect of missense changes on protein structure and function are either unavailable or do not agree on the potential impact of this missense change (SIFT: "Deleterious"; PolyPhen-2: "Probably Damaging"; Align-GVGD: "Class C0"). In summary, the available evidence is currently insufficient to determine the role of this variant in disease. Therefore, it has been classified as a Variant of Uncertain Significance.

NM_004341.5(CAD):c.1984G>T (p.Val662Phe)

Gene: CAD (carbamoyl-phosphate synthetase 2, aspartate transcarbamylase, and dihydroorotase; plus strand). Cytogenetic location: 2p23.3.
Variant type: single nucleotide variant.
Coding change: c.1984G>T on transcript NM_004341.5 (MANE Select); coding-DNA position 1984, G replaced by T.
Protein change: p.Val662Phe; replaces valine 662 with phenylalanine.
Molecular consequence: missense variant. On other transcripts: intron variant (1).
Genome position (GRCh38, 1-based): chr2:27,226,272, G>T. VCF-style: chr2-27226272-G-T. GRCh37 (hg19) VCF-style: chr2-27449140-G-T.
Other names: c.1843-253G>T (NM_001306079.2); short protein forms V662F.
Identifiers: ClinVar variation 1369482 (VCV001369482.3), dbSNP rs147722428, ClinGen allele CA346207076.